The following is an entry in ClinVar:

NM_032119.4(ADGRV1):c.596G>T (p.Ser199Ile)

Gene: ADGRV1 (adhesion G protein-coupled receptor V1; plus strand). Cytogenetic location: 5q14.3.
Variant type: single nucleotide variant.
Coding change: c.596G>T on transcript NM_032119.4 (MANE Select); coding-DNA position 596, G replaced by T.
Protein change: p.Ser199Ile; replaces serine 199 with isoleucine.
Molecular consequence: missense variant. On other transcripts: non-coding transcript variant (1).
Genome position (GRCh38, 1-based): chr5:90,625,167, G>T. VCF-style: chr5-90625167-G-T. GRCh37 (hg19) VCF-style: chr5-89920984-G-T.
Other names: short protein forms S199I.
Identifiers: ClinVar variation 617966 (VCV000617966.26), dbSNP rs61745496, ClinGen allele CA3338512.
Genomic context (GRCh38, chr5:90,625,167, plus strand): 5'-TGGCATTTTGTGTTTCTTTGCAGGTAGAGGGTGGCCCAAATCCCCCTGATGAAGATTTGA[G>T]TCCAGTTAAAGGAAATATCACCTTTCCCCCTGGCAGAGCAACAGTAATTTATAACTTGAC-3'
Protein context (NP_115495.3, residues 189-209): GGPNPPDEDL[Ser199Ile]PVKGNITFPP

ClinVar aggregate classification (germline): Conflicting classifications of pathogenicity. Review status: criteria provided, conflicting classifications (1 of 4 stars). 6 submissions from 6 submitters: Uncertain significance (3); Benign (1); Likely benign (1). 1 of the submissions does not count toward it. Last evaluated 2026-01-28.

Conditions:
ADGRV1-related disorder. Also called: ADGRV1-related disorders; ADGRV1-related condition.
Inborn genetic diseases. Identifiers: MedGen C0950123, MeSH D030342.
Usher syndrome type 2C. Also called: Usher syndrome, type 2B; USHER SYNDROME, TYPE IIC. Identifiers: Orphanet 231178, Orphanet 886, MedGen C2931213, MONDO:0011558, OMIM 605472.

Allele frequency attached by ClinVar (database versions not stated): 1000 Genomes Project 30x 0.00016; gnomAD exomes 0.00019 and 0.00057; 1000 Genomes Project 0.00020; TOPMed 0.00029; gnomAD 0.00030 and 0.00031; ESP Exome Variant Server 0.00033; ExAC 0.00054.
gnomAD v4.1: 352 of 1,613,292 alleles (0.022%); highest among the groups gnomAD compares: Admixed American, 0.062%; 2 homozygotes.

Submissions (6):

Labcorp Genetics (formerly Invitae), Labcorp
Classification: Benign. Last evaluated: 2026-01-28. Review status: criteria provided, single submitter. Criteria: Invitae Variant Classification Sherloc (09022015). Collection method: clinical testing. Allele origin: germline.

Blueprint Genetics
Classification: Likely benign. Last evaluated: 2024-11-07. Review status: criteria provided, single submitter. Criteria: ACMG Guidelines, 2015. Collection method: clinical testing. Allele origin: germline.

Illumina Laboratory Services, Illumina
Classification: Uncertain significance for Usher syndrome type 2C. Last evaluated: 2018-01-12. Review status: criteria provided, single submitter. Criteria: ICSL Variant Classification Criteria 13 December 2019. Collection method: clinical testing. Allele origin: germline.

ARUP Laboratories, Molecular Genetics and Genomics, ARUP Laboratories
Classification: Uncertain significance. Last evaluated: 2017-07-31. Review status: criteria provided, single submitter. Criteria: ARUP Molecular Germline Variant Investigation Process. Collection method: clinical testing. Allele origin: germline.
Comment: The p.Ser199Ile variant (rs61745496) has not been reported in the medical literature or gene specific variation databases. This variant is listed in the genome Aggregation Database (gnomAD) with an Ashkenazi Jewish population frequency of 0.8 percent (identified on 83 out of 10,142 chromosomes). The serine at position 199 is highly conserved (Alamut v.2.9.0) and computational analyses of the effects of the p.Ser199Ile variant on protein structure and function provide conflicting results (SIFT: tolerated, MutationTaster: disease causing, PolyPhen-2: benign). Altogether, there is not enough evidence to classify the p.Ser199Ile variant with certainty.

Ambry Genetics
Classification: Uncertain significance for Inborn genetic diseases. Last evaluated: 2016-11-22. Review status: criteria provided, single submitter. Criteria: Ambry exome assertion method (8-5-2015). Collection method: clinical testing. Allele origin: germline. Affected: yes. Observed: 1 variant allele.

PreventionGenetics, part of Exact Sciences
Classification: Benign for ADGRV1-related condition. Last evaluated: 2019-08-07. Review status: no assertion criteria provided. Collection method: clinical testing. Allele origin: germline. Not counted in ClinVar's aggregate classification.
Comment: This variant is classified as benign based on ACMG/AMP sequence variant interpretation guidelines (Richards et al. 2015 PMID: 25741868, with internal and published modifications).